The following is an entry in ClinVar:

ClinVar aggregate classification (germline): Uncertain significance (1 of 4 stars; one submission).

Conditions:
Inborn genetic diseases. Identifiers: MedGen C0950123, MeSH D030342.

Allele frequency attached by ClinVar (database versions not stated): gnomAD 0.00001; TOPMed 0.00001.
gnomAD v4.1: 1 of 1,613,018 alleles (0.000062%); highest among the groups gnomAD compares: African/African-American, 0.0013%; no homozygotes.

Submission:

Ambry Genetics
Classification: Uncertain significance for Inborn genetic diseases. Last evaluated: 2021-05-19. Review status: criteria provided, single submitter. Criteria: Ambry Variant Classification Scheme 2023. Collection method: clinical testing. Allele origin: germline.
Comment: The p.I622T variant (also known as c.1865T>C), located in coding exon 22 of the LRSAM1 gene, results from a T to C substitution at nucleotide position 1865. The isoleucine at codon 622 is replaced by threonine, an amino acid with similar properties. This amino acid position is well conserved in available vertebrate species. In addition, the in silico prediction for this alteration is inconclusive. Since supporting evidence is limited at this time, the clinical significance of this alteration remains unclear.

NM_001005373.4(LRSAM1):c.1865T>C (p.Ile622Thr)

Gene: LRSAM1 (leucine rich repeat and sterile alpha motif containing 1; plus strand). Cytogenetic location: 9q33.3.
Variant type: single nucleotide variant.
Coding change: c.1865T>C on transcript NM_001005373.4 (MANE Select); coding-DNA position 1865, T replaced by C.
Protein change: p.Ile622Thr; replaces isoleucine 622 with threonine.
Molecular consequence: missense variant. On other transcripts: non-coding transcript variant (2).
Genome position (GRCh38, 1-based): chr9:127,497,287, T>C. VCF-style: chr9-127497287-T-C. GRCh37 (hg19) VCF-style: chr9-130259566-T-C.
Other names: c.1865T>C, p.Ile622Thr (NM_001005374.4, NM_001384142.1, NM_138361.5); c.1784T>C, p.Ile595Thr (NM_001190723.3); c.1766T>C, p.Ile589Thr (NM_001384143.1); c.1076T>C, p.Ile359Thr (NM_001384144.1); short protein forms I595T, I589T, I622T, I359T.
Identifiers: ClinVar variation 1781576 (VCV001781576.2), dbSNP rs1836186699, ClinGen allele CA374936514.